The following is an entry in ClinVar:

NM_000548.5(TSC2):c.51T>G (p.Ile17Met)

Gene: TSC2 (TSC complex subunit 2; plus strand). Cytogenetic location: 16p13.3.
Variant type: single nucleotide variant.
Coding change: c.51T>G on transcript NM_000548.5 (MANE Select); coding-DNA position 51, T replaced by G.
Protein change: p.Ile17Met; replaces isoleucine 17 with methionine.
Molecular consequence: missense variant. On other transcripts: 5 prime UTR variant (19), non-coding transcript variant (5), intron variant (6).
Genome position (GRCh38, 1-based): chr16:2,048,666, T>G. VCF-style: chr16-2048666-T-G. GRCh37 (hg19) VCF-style: chr16-2098667-T-G.
Other names: c.51T>G, p.Ile17Met (NM_001077183.3, NM_001114382.3, NM_001318827.2 and 13 more transcripts); c.-176T>G (NM_001318831.2, NM_001406682.1, NM_001406684.1 and 2 more transcripts); c.84T>G, p.Ile28Met (NM_001318832.2); c.-766T>G (NM_001406680.1, NM_001406683.1, NM_001406687.1); c.-395T>G (NM_001406681.1); c.-1381T>G (NM_001406689.1, NM_001406690.1, NM_001406691.1 and 2 more transcripts); c.-1687T>G (NM_001406693.1); c.-1262T>G (NM_001406694.1, NM_001406695.1); and 4 more; short protein forms I17M, I28M.
Identifiers: ClinVar variation 3232187 (VCV003232187.2), dbSNP rs2150971085, ClinGen allele CA394301052.

ClinVar aggregate classification (germline): Conflicting classifications of pathogenicity. Review status: criteria provided, conflicting classifications (1 of 4 stars). 2 submissions from 2 submitters: Uncertain significance (1); Likely benign (1). Last evaluated 2025-05-11.

Conditions:
Hereditary cancer-predisposing syndrome. Also called: Hereditary Cancer Syndrome; Tumor predisposition; Neoplastic Syndromes, Hereditary; Hereditary neoplastic syndrome. Identifiers: Orphanet 140162, MedGen C0027672, MeSH D009386, MONDO:0015356.
Tuberous sclerosis 2 (TSC2). Identifiers: Orphanet 805, MedGen C1860707, MONDO:0013199, OMIM 613254.

Allele frequency attached by ClinVar (database versions not stated): gnomAD exomes below 0.00001.

Submissions (2):

Labcorp Genetics (formerly Invitae), Labcorp
Classification: Uncertain significance for Tuberous sclerosis 2. Last evaluated: 2025-05-11. Review status: criteria provided, single submitter. Criteria: Invitae Variant Classification Sherloc (09022015). Collection method: clinical testing. Allele origin: germline.
Comment: This sequence change replaces isoleucine, which is neutral and non-polar, with methionine, which is neutral and non-polar, at codon 17 of the TSC2 protein (p.Ile17Met). This variant is not present in population databases (gnomAD no frequency). This variant has not been reported in the literature in individuals affected with TSC2-related conditions. ClinVar contains an entry for this variant (Variation ID: 3232187). Invitae Evidence Modeling of protein sequence and biophysical properties (such as structural, functional, and spatial information, amino acid conservation, physicochemical variation, residue mobility, and thermodynamic stability) indicates that this missense variant is not expected to disrupt TSC2 protein function with a negative predictive value of 95%. In summary, the available evidence is currently insufficient to determine the role of this variant in disease. Therefore, it has been classified as a Variant of Uncertain Significance.

Ambry Genetics
Classification: Likely benign for Hereditary cancer-predisposing syndrome. Last evaluated: 2023-10-25. Review status: criteria provided, single submitter. Criteria: Ambry Variant Classification Scheme 2023. Collection method: clinical testing. Allele origin: germline.